The following is an entry in ClinVar:

NM_001378454.1(ALMS1):c.4180C>T (p.Gln1394Ter)

Gene: ALMS1 (ALMS1 centrosome and basal body associated protein; plus strand). Cytogenetic location: 2p13.1.
Variant type: single nucleotide variant.
Coding change: c.4180C>T on transcript NM_001378454.1 (MANE Select); coding-DNA position 4180, C replaced by T.
Protein change: p.Gln1394Ter; replaces glutamine 1394 with a stop codon.
Molecular consequence: nonsense.
Genome position (GRCh38, 1-based): chr2:73,450,707, C>T. VCF-style: chr2-73450707-C-T. GRCh37 (hg19) VCF-style: chr2-73677834-C-T.
Other names: c.4183C>T, p.Gln1395Ter (NM_015120.4); short protein forms Q1395*, Q1394*.
Identifiers: ClinVar variation 459866 (VCV000459866.7), dbSNP rs969786171, ClinGen allele CA50393225.
Genomic context (GRCh38, chr2:73,450,707, plus strand): 5'-CCAACTGTAACCTCTACTTCTTACTCACAACATACAGAGAAGCCGAGTATTTTCTACCAA[C>T]AGTCGTTGCCAGGTAGTCATCTAACTGAAGAGGCTAAGAACGTTTCAGCGGTTCCTGGAC-3'

ClinVar aggregate classification (germline): Pathogenic/Likely pathogenic. Review status: criteria provided, multiple submitters, no conflicts (2 of 4 stars). 2 submissions from 2 submitters: Pathogenic (1); Likely pathogenic (1). Last evaluated 2025-08-25.

Conditions:
Alstrom syndrome (ALMS). Identifiers: Orphanet 64, MedGen C0268425, MONDO:0008763, OMIM 203800.

Allele frequency attached by ClinVar (database versions not stated): gnomAD exomes below 0.00001; gnomAD 0.00001; TOPMed 0.00001.
gnomAD v4.1: 2 of 1,613,230 alleles (0.00012%); highest among the groups gnomAD compares: African/African-American, 0.0013%; no homozygotes.

Submissions (2):

Natera, Inc.
Classification: Likely pathogenic for Alstrom syndrome. Last evaluated: 2025-08-25. Review status: criteria provided, single submitter. Criteria: Natera Variant Classification Schema (03/2026). Collection method: clinical testing. Allele origin: germline.
Comment: The c.4183C>T variant in ALMS1 is a nonsense variant predicted to introduce a stop codon at amino acid 1395. This variant is expected to result in nonsense mediated decay, truncation, or a dysfunctional protein product. This variant is rare in the general population with a frequency below the threshold expected for the associated phenotype(s). Given the available evidence, this variant is classified as Likely Pathogenic.

Labcorp Genetics (formerly Invitae), Labcorp
Classification: Pathogenic for Alstrom syndrome. Last evaluated: 2017-03-25. Review status: criteria provided, single submitter. Criteria: Invitae Variant Classification Sherloc (09022015). Collection method: clinical testing. Allele origin: germline.
Comment: For these reasons, this variant has been classified as Pathogenic. While this particular variant has not been reported in the literature, loss-of-function variants in ALMS1 are known to be pathogenic (PMID: 17594715). This sequence change creates a premature translational stop signal at codon 1395 (p.Gln1395*) of the ALMS1 gene. It is expected to result in an absent or disrupted protein product.

Literature cited by the submitters: PubMed 17594715 (cited by Labcorp Genetics (formerly Invitae), Labcorp).